The following is an entry in ClinVar:

NM_000548.5(TSC2):c.4494-10C>T

Gene: TSC2 (TSC complex subunit 2; plus strand). Cytogenetic location: 16p13.3.
Variant type: single nucleotide variant.
Coding change: c.4494-10C>T on transcript NM_000548.5 (MANE Select); 10 bases into the intron before coding-DNA position 4494, C replaced by T.
Molecular consequence: intron variant.
Genome position (GRCh38, 1-based): chr16:2,084,941, C>T. VCF-style: chr16-2084941-C-T. GRCh37 (hg19) VCF-style: chr16-2134942-C-T.
Other names: c.4425-10C>T (NM_001114382.3); c.4365-10C>T (NM_021055.3, NM_001370405.1); c.4296-10C>T (NM_001363528.2); c.4362-10C>T (NM_001370404.1); c.4293-10C>T (NM_001077183.3); c.4185-10C>T (NM_001318827.2); c.3762-10C>T (NM_001318831.2); c.4149-10C>T (NM_001318829.2); and 1 more.
Identifiers: ClinVar variation 536082 (VCV000536082.13), dbSNP rs753499012, ClinGen allele CA620704988.

ClinVar aggregate classification (germline): Likely benign. Review status: criteria provided, multiple submitters, no conflicts (2 of 4 stars). 5 submissions from 5 submitters: Likely benign (5). Last evaluated 2025-10-09.

Conditions:
Tuberous sclerosis 2 (TSC2). Identifiers: Orphanet 805, MedGen C1860707, MONDO:0013199, OMIM 613254.
Tuberous sclerosis syndrome (TSC). Also called: Tuberous Sclerosis Complex; Tuberous sclerosis. Identifiers: Orphanet 805, MedGen C0041341, MONDO:0001734.
Hereditary cancer-predisposing syndrome. Also called: Neoplastic Syndromes, Hereditary; Tumor predisposition; Hereditary Cancer Syndrome; Hereditary neoplastic syndrome. Identifiers: Orphanet 140162, MedGen C0027672, MeSH D009386, MONDO:0015356.

Allele frequency attached by ClinVar (database versions not stated): gnomAD 0.00001 and 0.00002; TOPMed 0.00002.

Submissions (5):

Labcorp Genetics (formerly Invitae), Labcorp
Classification: Likely benign for Tuberous sclerosis 2. Last evaluated: 2025-10-09. Review status: criteria provided, single submitter. Criteria: Invitae Variant Classification Sherloc (09022015). Collection method: clinical testing. Allele origin: germline.

Myriad Genetics, Inc.
Classification: Likely benign for Tuberous sclerosis 2. Last evaluated: 2025-06-03. Review status: criteria provided, single submitter. Criteria: Myriad Autosomal Dominant, Autosomal Recessive and X-Linked Classification Criteria (2023). Collection method: clinical testing. Allele origin: unknown.
Comment: This variant is considered likely benign. This variant is intronic and is not expected to impact mRNA splicing.

All of Us Research Program, National Institutes of Health
Classification: Likely benign for Tuberous sclerosis syndrome. Last evaluated: 2023-10-02. Review status: criteria provided, single submitter. Criteria: ACMG Guidelines, 2015. Collection method: clinical testing. Allele origin: germline. Inheritance: Autosomal dominant inheritance. Observed: 1 variant allele, 1 heterozygote.
Comment: This study involves interpretation of variants in research participants for the purpose of population health screening. Participant phenotype was not available at the time of variant classification. Additional details can be found in publication PMID: 35346344, PMCID: PMC8962531

Color Diagnostics, LLC DBA Color Health
Classification: Likely benign for Tuberous sclerosis syndrome. Last evaluated: 2022-11-23. Review status: criteria provided, single submitter. Criteria: ACMG Guidelines, 2015. Collection method: clinical testing. Allele origin: germline.

Sema4
Classification: Likely benign for Hereditary cancer-predisposing syndrome. Last evaluated: 2022-02-23. Review status: criteria provided, single submitter. Criteria: Sema4 Curation Guidelines. Collection method: curation. Allele origin: germline.